The following is an entry in ClinVar:

ClinVar aggregate classification (germline): Uncertain significance (1 of 4 stars; one submission).

Submission:

Labcorp Genetics (formerly Invitae), Labcorp
Classification: Uncertain significance. Last evaluated: 2024-08-08. Review status: criteria provided, single submitter. Criteria: Invitae Variant Classification Sherloc (09022015). Collection method: clinical testing. Allele origin: germline.
Comment: This sequence change replaces proline, which is neutral and non-polar, with serine, which is neutral and polar, at codon 57 of the MATN3 protein (p.Pro57Ser). This variant is not present in population databases (gnomAD no frequency). This variant has not been reported in the literature in individuals affected with MATN3-related conditions. An algorithm developed to predict the effect of missense changes on protein structure and function outputs the following: PolyPhen-2: "Probably Damaging". The serine amino acid residue is found in multiple mammalian species, which suggests that this missense change does not adversely affect protein function. In summary, the available evidence is currently insufficient to determine the role of this variant in disease. Therefore, it has been classified as a Variant of Uncertain Significance.

NM_002381.5(MATN3):c.169C>T (p.Pro57Ser)

Gene: MATN3 (matrilin 3; minus strand). Cytogenetic location: 2p24.1.
Variant type: single nucleotide variant.
Coding change: c.169C>T on transcript NM_002381.5 (MANE Select); coding-DNA position 169, C replaced by T.
Protein change: p.Pro57Ser; replaces proline 57 with serine.
Molecular consequence: missense variant.
Genome position (GRCh38, 1-based): chr2:20,012,463, G>A on the plus strand (C>T on the coding strand, the complement: MATN3 is on the minus strand). VCF-style: chr2-20012463-G-A. GRCh37 (hg19) VCF-style: chr2-20212224-G-A.
Other names: short protein forms P57S.
Identifiers: ClinVar variation 2761511 (VCV002761511.3), dbSNP rs2527712434, ClinGen allele CA345951659.